The following is an entry in ClinVar:

ClinVar aggregate classification (germline): Likely pathogenic (1 of 4 stars; one submission).

Conditions:
Deficiency of alpha-mannosidase (MANSA). Also called: Alpha-Mannosidosis; LYSOSOMAL ALPHA-D-MANNOSIDASE DEFICIENCY; Mannosidosis, alpha-, types I and II. Identifiers: Orphanet 61, MedGen C0024748, MONDO:0009561, OMIM 248500.

Submission:

Labcorp Genetics (formerly Invitae), Labcorp
Classification: Likely pathogenic for Deficiency of alpha-mannosidase. Last evaluated: 2022-09-06. Review status: criteria provided, single submitter. Criteria: Invitae Variant Classification Sherloc (09022015). Collection method: clinical testing. Allele origin: germline.
Comment: In summary, the currently available evidence indicates that the variant is pathogenic, but additional data are needed to prove that conclusively. Therefore, this variant has been classified as Likely Pathogenic. Algorithms developed to predict the effect of sequence changes on RNA splicing suggest that this variant may disrupt the consensus splice site. This variant has not been reported in the literature in individuals affected with MAN2B1-related conditions. This variant is not present in population databases (gnomAD no frequency). This sequence change affects an acceptor splice site in intron 8 of the MAN2B1 gene. It is expected to disrupt RNA splicing. Variants that disrupt the donor or acceptor splice site typically lead to a loss of protein function (PMID: 16199547), and loss-of-function variants in MAN2B1 are known to be pathogenic (PMID: 9915946, 22161967).

Literature cited by the submitters: PubMed 16199547; PubMed 9915946; PubMed 22161967.

NM_000528.4(MAN2B1):c.1110-1G>A

Gene: MAN2B1 (mannosidase alpha class 2B member 1; minus strand). Cytogenetic location: 19p13.13.
Variant type: single nucleotide variant.
Coding change: c.1110-1G>A on transcript NM_000528.4 (MANE Select); the canonical splice acceptor site of the intron before coding-DNA position 1110, G replaced by A.
Molecular consequence: splice acceptor variant.
Genome position (GRCh38, 1-based): chr19:12,658,345, C>T on the plus strand (G>A on the coding strand, the complement: MAN2B1 is on the minus strand). VCF-style: chr19-12658345-C-T. GRCh37 (hg19) VCF-style: chr19-12769159-C-T.
Other names: c.1107-1G>A (NM_001173498.2).
Identifiers: ClinVar variation 2018510 (VCV002018510.4), dbSNP rs1599352199, ClinGen allele CA404248441.